The following is an entry in ClinVar:

ClinVar aggregate classification (germline): Uncertain significance (1 of 4 stars; one submission).

Submission:

Labcorp Genetics (formerly Invitae), Labcorp
Classification: Uncertain significance. Last evaluated: 2024-03-05. Review status: criteria provided, single submitter. Criteria: Invitae Variant Classification Sherloc (09022015). Collection method: clinical testing. Allele origin: germline.
Comment: This sequence change replaces proline, which is neutral and non-polar, with serine, which is neutral and polar, at codon 393 of the PAFAH1B1 protein (p.Pro393Ser). This variant is present in population databases (no rsID available, gnomAD 0.0009%). This variant has not been reported in the literature in individuals affected with PAFAH1B1-related conditions. An algorithm developed to predict the effect of missense changes on protein structure and function (PolyPhen-2) suggests that this variant is likely to be tolerated. In summary, the available evidence is currently insufficient to determine the role of this variant in disease. Therefore, it has been classified as a Variant of Uncertain Significance.

NM_000430.4(PAFAH1B1):c.1177C>T (p.Pro393Ser)

Gene: PAFAH1B1 (platelet activating factor acetylhydrolase 1b regulatory subunit 1; plus strand). Cytogenetic location: 17p13.3.
Variant type: single nucleotide variant.
Coding change: c.1177C>T on transcript NM_000430.4 (MANE Select); coding-DNA position 1177, C replaced by T.
Protein change: p.Pro393Ser; replaces proline 393 with serine.
Molecular consequence: missense variant.
Genome position (GRCh38, 1-based): chr17:2,681,746, C>T. VCF-style: chr17-2681746-C-T. GRCh37 (hg19) VCF-style: chr17-2585040-C-T.
Other names: short protein forms P393S.
Identifiers: ClinVar variation 3665606 (VCV003665606.2).
Genomic context (GRCh38, chr17:2,681,746, plus strand): 5'-GCTTACGTGTGAGTTTTAAATAAACCATTTCTTTTTCTTTCAGATTTCCACAAGACGGCA[C>T]CCTATGTCGTCACTGGCAGCGTAGATCAAACAGTAAAAGTGTGGGAGTGCCGTTGATTGT-3'
Protein context (NP_000421.1, residues 383-403): VTSLDFHKTA[Pro393Ser]YVVTGSVDQT